The following is an entry in ClinVar:

NM_001278716.2(FBXL4):c.1103G>A (p.Arg368Lys)

Gene: FBXL4 (F-box and leucine rich repeat protein 4; minus strand). Cytogenetic location: 6q16.2.
Variant type: single nucleotide variant.
Coding change: c.1103G>A on transcript NM_001278716.2 (MANE Select); coding-DNA position 1103, G replaced by A.
Protein change: p.Arg368Lys; replaces arginine 368 with lysine.
Molecular consequence: missense variant. On other transcripts: non-coding transcript variant (2).
Genome position (GRCh38, 1-based): chr6:98,905,426, C>T on the plus strand (G>A on the coding strand, the complement: FBXL4 is on the minus strand). VCF-style: chr6-98905426-C-T. GRCh37 (hg19) VCF-style: chr6-99353302-C-T.
Other names: c.1103G>A, p.Arg368Lys (NM_012160.5); short protein forms R368K.
Identifiers: ClinVar variation 437687 (VCV000437687.1), dbSNP rs774697942, ClinGen allele CA3933550.

ClinVar aggregate classification (germline): Uncertain significance (1 of 4 stars; one submission).

Conditions:
Mitochondrial DNA depletion syndrome 13. Also called: FBXL4-Related Encephalomyopathic Mitochondrial DNA Depletion Syndrome; Mitochondrial DNA depletion syndrome 13 (encephalomyopathic type). Identifiers: Orphanet 369897, MedGen C3809592, MONDO:0014198, OMIM 615471.

Allele frequency attached by ClinVar (database versions not stated): ExAC 0.00002; gnomAD exomes 0.00002; TOPMed 0.00003; gnomAD 0.00006.
gnomAD v4.1: 43 of 1,613,790 alleles (0.0027%); highest among the groups gnomAD compares: Admixed American, 0.0083%; no homozygotes.

Submission:

Wong Mito Lab, Molecular and Human Genetics, Baylor College of Medicine
Classification: Uncertain significance for Mitochondrial DNA depletion syndrome 13. Last evaluated: 2017-08-10. Review status: criteria provided, single submitter. Criteria: ACMG Guidelines, 2015. Collection method: reference population. Allele origin: germline.
Comment: The NM_012160.4:c.1103G>A (NP_036292.2:p.Arg368Lys) [GRCH38: NC_000006.12:g.98905426C>T] variant in FBXL4 gene is interpretated to be a Uncertain Significance - Conflicting Evidence based on ACMG guidelines (PMID: 25741868). This variant meets one or more of the following evidence codes reported in the ACMG-guideline. PM2:This variant is absent in key population databases. BP4:Computational evidence/predictors indicate no impact on the FBXL4 structure, function, or protein-protein interaction. Based on this evidence code ClinGen Pathogenicity Calculator (PMID:28081714) suggested that the variant is Uncertain Significance - Conflicting Evidence.